The following is an entry in ClinVar:

ClinVar aggregate classification (germline): Uncertain significance (1 of 4 stars; one submission).

gnomAD v4.1: 2 of 1,613,686 alleles (0.00012%); highest among the groups gnomAD compares: Non-Finnish European, 0.00017%; no homozygotes.

Submission:

Labcorp Genetics (formerly Invitae), Labcorp
Classification: Uncertain significance. Last evaluated: 2024-12-17. Review status: criteria provided, single submitter. Criteria: Invitae Variant Classification Sherloc (09022015). Collection method: clinical testing. Allele origin: germline.
Comment: This sequence change replaces aspartic acid, which is acidic and polar, with tyrosine, which is neutral and polar, at codon 2374 of the ANK3 protein (p.Asp2374Tyr). This variant is present in population databases (no rsID available, gnomAD 0.007%). This variant has not been reported in the literature in individuals affected with ANK3-related conditions. An algorithm developed to predict the effect of missense changes on protein structure and function (PolyPhen-2) suggests that this variant is likely to be disruptive. In summary, the available evidence is currently insufficient to determine the role of this variant in disease. Therefore, it has been classified as a Variant of Uncertain Significance.

NM_020987.5(ANK3):c.7120G>T (p.Asp2374Tyr)

Gene: ANK3 (ankyrin 3; minus strand). Cytogenetic location: 10q21.2.
Variant type: single nucleotide variant.
Coding change: c.7120G>T on transcript NM_020987.5 (MANE Select); coding-DNA position 7120, G replaced by T.
Protein change: p.Asp2374Tyr; replaces aspartic acid 2374 with tyrosine.
Molecular consequence: missense variant. On other transcripts: intron variant (4).
Genome position (GRCh38, 1-based): chr10:60,073,761, C>A on the plus strand (G>T on the coding strand, the complement: ANK3 is on the minus strand). VCF-style: chr10-60073761-C-A. GRCh37 (hg19) VCF-style: chr10-61833519-C-A.
Other names: c.4388-5752G>T (NM_001204403.2); c.4409-5752G>T (NM_001204404.2); c.4406-5752G>T (NM_001320874.2); c.1808-5752G>T (NM_001149.4); short protein forms D2374Y.
Identifiers: ClinVar variation 3681931 (VCV003681931.2).